The following is an entry in ClinVar:

ClinVar aggregate classification (germline): Uncertain significance (1 of 4 stars; one submission).

Conditions:
Familial thoracic aortic aneurysm and aortic dissection (TAAD). Also called: Thoracic aortic aneurysms and dissections. Identifiers: Orphanet 91387, MedGen C4707243, MONDO:0019625.

Submission:

Ambry Genetics
Classification: Uncertain significance for Familial thoracic aortic aneurysm and aortic dissection. Last evaluated: 2026-03-30. Review status: criteria provided, single submitter. Criteria: Ambry Variant Classification Scheme 2023. Collection method: clinical testing. Allele origin: germline.
Comment: The p.M796I variant (also known as c.2388G>A), located in coding exon 18 of the MYH11 gene, results from a G to A substitution at nucleotide position 2388. The methionine at codon 796 is replaced by isoleucine, an amino acid with highly similar properties. This amino acid position is conserved. In addition, this alteration is predicted to be tolerated by in silico analysis. Based on the available evidence, the clinical significance of this variant remains unclear.

NM_002474.3(MYH11):c.2388G>A (p.Met796Ile)

Gene: MYH11 (myosin heavy chain 11; minus strand). Cytogenetic location: 16p13.11.
Variant type: single nucleotide variant.
Coding change: c.2388G>A on transcript NM_002474.3 (MANE Select); coding-DNA position 2388, G replaced by A.
Protein change: p.Met796Ile; replaces methionine 796 with isoleucine.
Molecular consequence: missense variant.
Genome position (GRCh38, 1-based): chr16:15,747,593, C>T on the plus strand (G>A on the coding strand, the complement: MYH11 is on the minus strand). VCF-style: chr16-15747593-C-T. GRCh37 (hg19) VCF-style: chr16-15841450-C-T.
Other names: c.2409G>A, p.Met803Ile (NM_001040113.2, NM_001040114.2); c.2388G>A, p.Met796Ile (NM_022844.3); short protein forms M796I, M803I.
Identifiers: ClinVar variation 4860531 (VCV004860531.1).